The following is an entry in ClinVar:

NM_007194.4(CHEK2):c.1001C>T (p.Ala334Val)

Gene: CHEK2 (checkpoint kinase 2; minus strand). Cytogenetic location: 22q12.1.
Variant type: single nucleotide variant.
Coding change: c.1001C>T on transcript NM_007194.4 (MANE Select); coding-DNA position 1001, C replaced by T.
Protein change: p.Ala334Val; replaces alanine 334 with valine.
Molecular consequence: missense variant.
Genome position (GRCh38, 1-based): chr22:28,699,845, G>A on the plus strand (C>T on the coding strand, the complement: CHEK2 is on the minus strand). VCF-style: chr22-28699845-G-A. GRCh37 (hg19) VCF-style: chr22-29095833-G-A.
Other names: c.1130C>T, p.Ala377Val (NM_001005735.3); c.338C>T, p.Ala113Val (NM_001257387.3); c.800C>T, p.Ala267Val (NM_001349956.3); c.1001C>T, p.Ala334Val (NM_145862.3); short protein forms A377V, A113V, A334V, A267V.
Identifiers: ClinVar variation 2133385 (VCV002133385.6), dbSNP rs1555915316, ClinGen allele CA411099339.

ClinVar aggregate classification (germline): Uncertain significance. Review status: criteria provided, multiple submitters, no conflicts (2 of 4 stars). 2 submissions from 2 submitters: Uncertain significance (2). Last evaluated 2022-12-07.

Conditions:
Hereditary cancer-predisposing syndrome. Also called: Hereditary neoplastic syndrome; Hereditary Cancer Syndrome; Tumor predisposition; Neoplastic Syndromes, Hereditary. Identifiers: Orphanet 140162, MedGen C0027672, MeSH D009386, MONDO:0015356.
Familial cancer of breast. Also called: Hereditary breast cancer; BREAST CANCER, FAMILIAL; hereditary breast carcinoma. Identifiers: Orphanet 227535, MedGen C0346153, MONDO:0016419, OMIM 114480. Disease mechanism: loss of function.

Submissions (2):

Ambry Genetics
Classification: Uncertain significance for Hereditary cancer-predisposing syndrome. Last evaluated: 2022-12-07. Review status: criteria provided, single submitter. Criteria: Ambry Variant Classification Scheme 2023. Collection method: clinical testing. Allele origin: germline.
Comment: The p.A334V variant (also known as c.1001C>T), located in coding exon 8 of the CHEK2 gene, results from a C to T substitution at nucleotide position 1001. The alanine at codon 334 is replaced by valine, an amino acid with similar properties. This amino acid position is highly conserved in available vertebrate species. In addition, this alteration is predicted to be deleterious by in silico analysis. Since supporting evidence is limited at this time, the clinical significance of this alteration remains unclear.

Labcorp Genetics (formerly Invitae), Labcorp
Classification: Uncertain significance for Familial cancer of breast. Last evaluated: 2022-05-04. Review status: criteria provided, single submitter. Criteria: Invitae Variant Classification Sherloc (09022015). Collection method: clinical testing. Allele origin: germline.
Comment: This variant has not been reported in the literature in individuals affected with CHEK2-related conditions. This variant is not present in population databases (gnomAD no frequency). This sequence change replaces alanine, which is neutral and non-polar, with valine, which is neutral and non-polar, at codon 334 of the CHEK2 protein (p.Ala334Val). Algorithms developed to predict the effect of missense changes on protein structure and function are either unavailable or do not agree on the potential impact of this missense change (SIFT: "Deleterious"; PolyPhen-2: "Probably Damaging"; Align-GVGD: "Class C0"). In summary, the available evidence is currently insufficient to determine the role of this variant in disease. Therefore, it has been classified as a Variant of Uncertain Significance.